The following is an entry in ClinVar:

NM_145239.3(PRRT2):c.547dup (p.Ala183fs)

Genes: MVP-DT (MVP divergent transcript; minus strand), PRRT2 (proline rich transmembrane protein 2; plus strand). Cytogenetic location: 16p11.2.
Variant type: Duplication.
Coding change: c.547dup on transcript NM_145239.3 (MANE Select); coding-DNA position 547, one base duplicated (G; older notation c.547dupG).
Protein change: p.Ala183fs; shifts the reading frame from alanine 183.
Molecular consequence: frameshift variant.
Genome position (GRCh38, 1-based): chr16:29,813,601, G duplicated; the last of 4 consecutive G bases (chr16:29,813,598-29,813,601); duplicating any one gives the same sequence. VCF-style (leftmost placement, unchanged base first): chr16-29813597-T-TG. GRCh37 (hg19) VCF-style: chr16-29824918-T-TG.
Other names: c.547dup, p.Ala183fs (NM_001256442.2, NM_001256443.2); short protein forms A183fs.
Identifiers: ClinVar variation 2815976 (VCV002815976.3), dbSNP rs2543334257, ClinGen allele CA2739266713.

ClinVar aggregate classification (germline): Pathogenic (1 of 4 stars; one submission).

Conditions:
Episodic kinesigenic dyskinesia (EKD). Also called: Paroxysmal kinesigenic dyskinesia. Identifiers: Orphanet 98809, MedGen C1868682, MONDO:0044202.

Submission:

Labcorp Genetics (formerly Invitae), Labcorp
Classification: Pathogenic for Episodic kinesigenic dyskinesia. Last evaluated: 2023-01-11. Review status: criteria provided, single submitter. Criteria: Invitae Variant Classification Sherloc (09022015). Collection method: clinical testing. Allele origin: germline.
Comment: For these reasons, this variant has been classified as Pathogenic. This variant has not been reported in the literature in individuals affected with PRRT2-related conditions. This variant is not present in population databases (gnomAD no frequency). This sequence change creates a premature translational stop signal (p.Ala183Glyfs*9) in the PRRT2 gene. It is expected to result in an absent or disrupted protein product. Loss-of-function variants in PRRT2 are known to be pathogenic (PMID: 22623405, 22744660).

Literature cited by the submitters: PubMed 22623405; PubMed 22744660.